The following is an entry in ClinVar:

NM_001197104.2(KMT2A):c.4285A>G (p.Thr1429Ala)

Gene: KMT2A (lysine methyltransferase 2A; plus strand). Cytogenetic location: 11q23.3.
Variant type: single nucleotide variant.
Coding change: c.4285A>G on transcript NM_001197104.2 (MANE Select); coding-DNA position 4285, A replaced by G.
Protein change: p.Thr1429Ala; replaces threonine 1429 with alanine.
Molecular consequence: missense variant.
Genome position (GRCh38, 1-based): chr11:118,484,928, A>G. VCF-style: chr11-118484928-A-G. GRCh37 (hg19) VCF-style: chr11-118355643-A-G.
Other names: c.4384A>G, p.Thr1462Ala (NM_001412597.1); c.4285A>G, p.Thr1429Ala (NM_005933.4); short protein forms T1429A, T1462A.
Identifiers: ClinVar variation 4532691 (VCV004532691.1).

ClinVar aggregate classification (germline): Uncertain significance (1 of 4 stars; one submission).

Submission:

GeneDx
Classification: Uncertain significance. Last evaluated: 2025-05-28. Review status: criteria provided, single submitter. Criteria: GeneDx Variant Classification Process June 2021. Collection method: clinical testing. Allele origin: germline. Affected: yes.
Comment: Not observed at significant frequency in large population cohorts (gnomAD); In silico analysis suggests that this missense variant does not alter protein structure/function; Has not been previously published as pathogenic or benign to our knowledge